The following is an entry in ClinVar:

ClinVar aggregate classification (germline): Uncertain significance (1 of 4 stars; one submission).

Conditions:
Hereditary cancer-predisposing syndrome. Also called: Neoplastic Syndromes, Hereditary; Tumor predisposition; Hereditary Cancer Syndrome; Hereditary neoplastic syndrome. Identifiers: Orphanet 140162, MedGen C0027672, MeSH D009386, MONDO:0015356.

Allele frequency attached by ClinVar (database versions not stated): gnomAD exomes below 0.00001.
gnomAD v4.1: 5 of 1,614,054 alleles (0.00031%); highest among the groups gnomAD compares: Non-Finnish European, 0.00042%; no homozygotes.

Submission:

Ambry Genetics
Classification: Uncertain significance for Hereditary cancer-predisposing syndrome. Last evaluated: 2023-08-19. Review status: criteria provided, single submitter. Criteria: Ambry Variant Classification Scheme 2023. Collection method: clinical testing. Allele origin: germline.
Comment: The p.Q283R variant (also known as c.848A>G), located in coding exon 8 of the FANCC gene, results from an A to G substitution at nucleotide position 848. The glutamine at codon 283 is replaced by arginine, an amino acid with highly similar properties. This amino acid position is not well conserved in available vertebrate species. In addition, this alteration is predicted to be tolerated by in silico analysis. Since supporting evidence is limited at this time, the clinical significance of this alteration remains unclear.

NM_000136.3(FANCC):c.848A>G (p.Gln283Arg)

Genes: FANCC (FA complementation group C; minus strand), AOPEP (aminopeptidase O (putative); plus strand). Cytogenetic location: 9q22.32.
Variant type: single nucleotide variant.
Coding change: c.848A>G on transcript NM_000136.3 (MANE Select); coding-DNA position 848, A replaced by G.
Protein change: p.Gln283Arg; replaces glutamine 283 with arginine.
Molecular consequence: missense variant.
Genome position (GRCh38, 1-based): chr9:95,126,577, T>C on the plus strand (A>G on the coding strand, the complement: FANCC is on the minus strand). VCF-style: chr9-95126577-T-C. GRCh37 (hg19) VCF-style: chr9-97888859-T-C.
Other names: c.848A>G, p.Gln283Arg (NM_001243743.2, NM_001243744.2); short protein forms Q283R.
Identifiers: ClinVar variation 1763561 (VCV001763561.3), dbSNP rs2541177415, ClinGen allele CA374109148.